The following is an entry in ClinVar:

ClinVar aggregate classification (germline): Uncertain significance (1 of 4 stars; one submission).

Conditions:
Cardiovascular phenotype. Identifiers: MedGen CN230736.

gnomAD v4.1: 4 of 1,614,178 alleles (0.00025%); highest among the groups gnomAD compares: African/African-American, 0.0013%; no homozygotes.

Submission:

Ambry Genetics
Classification: Uncertain significance for Cardiovascular phenotype. Last evaluated: 2026-08-08. Review status: criteria provided, single submitter. Criteria: Ambry Variant Classification Scheme 2023. Collection method: clinical testing. Allele origin: germline.
Comment: The p.M375V variant (also known as c.1123A>G), located in coding exon 7 of the SPRED1 gene, results from an A to G substitution at nucleotide position 1123. The methionine at codon 375 is replaced by valine, an amino acid with highly similar properties. This amino acid position is conserved. In addition, the in silico prediction for this alteration is inconclusive. Based on the available evidence, the clinical significance of this variant remains unclear.

NM_152594.3(SPRED1):c.1123A>G (p.Met375Val)

Gene: SPRED1 (sprouty related EVH1 domain containing 1; plus strand). Cytogenetic location: 15q14.
Variant type: single nucleotide variant.
Coding change: c.1123A>G on transcript NM_152594.3 (MANE Select); coding-DNA position 1123, A replaced by G.
Protein change: p.Met375Val; replaces methionine 375 with valine.
Molecular consequence: missense variant.
Genome position (GRCh38, 1-based): chr15:38,351,452, A>G. VCF-style: chr15-38351452-A-G. GRCh37 (hg19) VCF-style: chr15-38643653-A-G.
Other names: short protein forms M375V.
Identifiers: ClinVar variation 5030125 (VCV005030125.1).